The following is an entry in ClinVar:

ClinVar aggregate classification (germline): other (0 of 4 stars; one submission).

Conditions:
Familial colorectal cancer. Identifiers: MedGen CN280943, MONDO:0023113. Disease mechanism: loss of function.

Submission:

Systems Biology Platform Zhejiang California International NanoSystems Institute
Classification: other for Familial colorectal cancer. Review status: no assertion criteria provided. Collection method: not provided. Allele origin: unknown.
ClinVar note: Converted during submission from cancer to other.

NM_000038.6(APC):c.834+5284T>C

Gene: APC (APC regulator of WNT signaling pathway; plus strand). Cytogenetic location: 5q22.2.
Variant type: single nucleotide variant.
Coding change: c.834+5284T>C on transcript NM_000038.6 (MANE Select); 5284 bases into the intron after coding-DNA position 834, T replaced by C.
Molecular consequence: intron variant.
Genome position (GRCh38, 1-based): chr5:112,806,667, T>C. VCF-style: chr5-112806667-T-C. GRCh37 (hg19) VCF-style: chr5-112142364-T-C.
Other names: c.834+5284T>C (NM_001354895.2, NM_001127510.3, NM_001354896.2 and 1 more transcripts); c.864+5284T>C (NM_001354897.2, NM_001354902.2); c.780+5284T>C (NM_001127511.3); c.759+5284T>C (NM_001354898.2, NM_001354904.2); c.-201-3459T>C (NM_001354906.2); c.750+5284T>C (NM_001354899.2); c.657+5284T>C (NM_001354900.2, NM_001354901.2, NM_001354905.2).
Identifiers: ClinVar variation 83065 (VCV000083065.2), dbSNP rs76427052, ClinGen allele CA014877.
Genomic context (GRCh38, chr5:112,806,667, plus strand): 5'-CACTCTGTCACTGTACACCACTGCACAGTGGTGCAATCTCGGCTCATTGCAACCTCTGCC[T>C]CCCAGGCTCAAGCCATTCTTCCACTGTCATTCTTGGATAGTTGGGACCACAGGTGCACAC-3'